The following is an entry in ClinVar:

ClinVar aggregate classification (germline): Benign/Likely benign. Review status: criteria provided, multiple submitters, no conflicts (2 of 4 stars). 8 submissions from 8 submitters: Benign (3); Likely benign (2). 3 of the submissions do not count toward it. Last evaluated 2026-02-02.

Conditions:
GPD1L-related disorder. Also called: GPD1L-related condition.
Cardiovascular phenotype. Identifiers: MedGen CN230736.
Brugada syndrome. Also called: Sudden Unexplained Nocturnal Death Syndrome (SUNDS); Sudden Unexplained Death Syndrome; Sudden unexpected nocturnal death syndrome; Sudden unexplained nocturnal death syndrome. Identifiers: Orphanet 130, MedGen C1142166, MONDO:0015263.
Brugada syndrome 2 (BRGDA2). Identifiers: Orphanet 130, MedGen C2673193, MONDO:0012728, OMIM 611777.

Allele frequency attached by ClinVar (database versions not stated): gnomAD exomes 0.00018 and 0.00053; ExAC 0.00068; 1000 Genomes Project 0.00120; 1000 Genomes Project 30x 0.00125; ESP Exome Variant Server 0.00177; gnomAD 0.00182 and 0.00195; TOPMed 0.00222.
gnomAD v4.1: 554 of 1,601,564 alleles (0.035%); highest among the groups gnomAD compares: African/African-American, 0.65%; 3 homozygotes.

Submissions (8):

Labcorp Genetics (formerly Invitae), Labcorp
Classification: Benign for Brugada syndrome. Last evaluated: 2026-02-02. Review status: criteria provided, single submitter. Criteria: Invitae Variant Classification Sherloc (09022015). Collection method: clinical testing. Allele origin: germline.

ARUP Laboratories, Molecular Genetics and Genomics, ARUP Laboratories
Classification: Likely benign for Brugada syndrome 2. Last evaluated: 2022-06-30. Review status: criteria provided, single submitter. Criteria: ARUP Molecular Germline Variant Investigation Process 2021. Collection method: clinical testing. Allele origin: germline.

Women's Health and Genetics/Laboratory Corporation of America, LabCorp
Classification: Benign. Last evaluated: 2020-06-13. Review status: criteria provided, single submitter. Criteria: LabCorp Variant Classification Summary - May 2015. Collection method: clinical testing. Allele origin: germline.

Ambry Genetics
Classification: Likely benign for Cardiovascular phenotype. Last evaluated: 2015-08-10. Review status: criteria provided, single submitter. Criteria: Ambry Variant Classification Scheme 2023. Collection method: clinical testing. Allele origin: germline.

GeneDx
Classification: Benign. Last evaluated: 2013-01-08. Review status: criteria provided, single submitter. Criteria: GeneDx Variant Classification (06012015). Collection method: clinical testing. Allele origin: germline. Affected: yes.
Comment: This variant is considered likely benign or benign based on one or more of the following criteria: it is a conservative change, it occurs at a poorly conserved position in the protein, it is predicted to be benign by multiple in silico algorithms, and/or has population frequency not consistent with disease.

PreventionGenetics, part of Exact Sciences
Classification: Likely benign for GPD1L-related condition. Last evaluated: 2019-10-31. Review status: no assertion criteria provided. Collection method: clinical testing. Allele origin: germline. Not counted in ClinVar's aggregate classification.
Comment: This variant is classified as likely benign based on ACMG/AMP sequence variant interpretation guidelines (Richards et al. 2015 PMID: 25741868, with internal and published modifications).

Clinical Genetics, Academic Medical Center
Classification: Benign. Review status: no assertion criteria provided. Collection method: clinical testing. Allele origin: germline. Affected: yes. Study: VKGL Data-share Consensus. Not counted in ClinVar's aggregate classification.

Joint Genome Diagnostic Labs from Nijmegen and Maastricht, Radboudumc and MUMC+
Classification: Benign. Review status: no assertion criteria provided. Collection method: clinical testing. Allele origin: germline. Affected: yes. Study: VKGL Data-share Consensus. Not counted in ClinVar's aggregate classification.

NM_015141.4(GPD1L):c.981G>A (p.Val327=)

Gene: GPD1L (glycerol-3-phosphate dehydrogenase 1 like; plus strand). Cytogenetic location: 3p22.3.
Variant type: single nucleotide variant.
Coding change: c.981G>A on transcript NM_015141.4 (MANE Select); coding-DNA position 981, G replaced by A.
Protein change: p.Val327=; no amino-acid change (valine 327 retained).
Molecular consequence: synonymous variant.
Genome position (GRCh38, 1-based): chr3:32,165,835, G>A. VCF-style: chr3-32165835-G-A. GRCh37 (hg19) VCF-style: chr3-32207327-G-A.
Other names: p.V327V:GTG>GTA.
Identifiers: ClinVar variation 137491 (VCV000137491.24), dbSNP rs144877595, ClinGen allele CA333073.
Genomic context (GRCh38, chr3:32,165,835, plus strand): 5'-GTGGCCTAACTTTGTCTTTTCACATTTCCTCCCAACTAGGTTTCCATTGTTTACTGCAGT[G>A]TATCAGATCTGCTACGAAAGCAGACCAGTTCAAGAGATGTTGTCTTGTCTTCAGAGCCAT-3'
Protein context (NP_055956.1, residues 317-337): LLDKFPLFTA[Val327=]YQICYESRPV